The following is an entry in ClinVar:

ClinVar aggregate classification (germline): Likely benign (1 of 4 stars; one submission).

Allele frequency attached by ClinVar (database versions not stated): TOPMed below 0.00001.

Submission:

GeneDx
Classification: Likely benign. Last evaluated: 2018-04-06. Review status: criteria provided, single submitter. Criteria: GeneDx Variant Classification (06012015). Collection method: clinical testing. Allele origin: germline. Affected: yes.
Comment: This variant is considered likely benign or benign based on one or more of the following criteria: it is a conservative change, it occurs at a poorly conserved position in the protein, it is predicted to be benign by multiple in silico algorithms, and/or has population frequency not consistent with disease.

NM_001267550.2(TTN):c.13446T>C (p.Tyr4482=)

Gene: TTN (titin; minus strand). Cytogenetic location: 2q31.2.
Variant type: single nucleotide variant.
Coding change: c.13446T>C on transcript NM_001267550.2 (MANE Select); coding-DNA position 13446, T replaced by C.
Protein change: p.Tyr4482=; no amino-acid change (tyrosine 4482 retained).
Molecular consequence: synonymous variant. On other transcripts: intron variant (1).
Genome position (GRCh38, 1-based): chr2:178,739,787, A>G on the plus strand (T>C on the coding strand, the complement: TTN is on the minus strand). VCF-style: chr2-178739787-A-G. GRCh37 (hg19) VCF-style: chr2-179604514-A-G.
Other names: c.12495T>C, p.Tyr4165= (NM_001256850.1); c.12357T>C, p.Tyr4119= (NM_003319.4); c.12732T>C, p.Tyr4244= (NM_133432.3); c.12933T>C, p.Tyr4311= (NM_133437.4); c.10361-1427T>C (NM_133378.4).
Identifiers: ClinVar variation 681983 (VCV000681983.1), dbSNP rs1574070639, ClinGen allele CA430295800.